The following is an entry in ClinVar:

ClinVar aggregate classification (germline): Uncertain significance (1 of 4 stars; one submission).

Allele frequency attached by ClinVar (database versions not stated): gnomAD exomes below 0.00001.
gnomAD v4.1: 1 of 1,614,172 alleles (0.000062%); highest among the groups gnomAD compares: South Asian, 0.0011%; no homozygotes.

Submission:

Labcorp Genetics (formerly Invitae), Labcorp
Classification: Uncertain significance. Last evaluated: 2023-12-30. Review status: criteria provided, single submitter. Criteria: Invitae Variant Classification Sherloc (09022015). Collection method: clinical testing. Allele origin: germline.
Comment: This sequence change replaces leucine, which is neutral and non-polar, with valine, which is neutral and non-polar, at codon 128 of the LRRC8A protein (p.Leu128Val). This variant is not present in population databases (gnomAD no frequency). This variant has not been reported in the literature in individuals affected with LRRC8A-related conditions. An algorithm developed to predict the effect of missense changes on protein structure and function (PolyPhen-2) suggests that this variant is likely to be disruptive. In summary, the available evidence is currently insufficient to determine the role of this variant in disease. Therefore, it has been classified as a Variant of Uncertain Significance.

NM_019594.4(LRRC8A):c.382C>G (p.Leu128Val)

Gene: LRRC8A (leucine rich repeat containing 8 VRAC subunit A; plus strand). Cytogenetic location: 9q34.11.
Variant type: single nucleotide variant.
Coding change: c.382C>G on transcript NM_019594.4 (MANE Select); coding-DNA position 382, C replaced by G.
Protein change: p.Leu128Val; replaces leucine 128 with valine.
Molecular consequence: missense variant.
Genome position (GRCh38, 1-based): chr9:128,907,546, C>G. VCF-style: chr9-128907546-C-G. GRCh37 (hg19) VCF-style: chr9-131669825-C-G.
Other names: c.382C>G, p.Leu128Val (NM_001127244.2, NM_001127245.2); short protein forms L128V.
Identifiers: ClinVar variation 2706495 (VCV002706495.3), dbSNP rs2491864040, ClinGen allele CA375073872.